The following is an entry in ClinVar:

ClinVar aggregate classification (germline): Likely pathogenic. Review status: criteria provided, multiple submitters, no conflicts (2 of 4 stars). 2 submissions from 2 submitters: Likely pathogenic (2). Last evaluated 2023-10-29.

Conditions:
Aplastic anemia. Identifiers: Orphanet 182040, Orphanet 88, MedGen C0002874, MONDO:0015909, OMIM 609135, HP:0001915.
Microcephaly, normal intelligence and immunodeficiency (NBS). Also called: Nijmegen breakage syndrome; Microcephaly with normal intelligence immunodeficiency and lymphoreticular malignancies; Nonsyndromal microcephaly autosomal recessive with normal intelligence; Seemanova syndrome 2; Ataxia telangiectasia variant V1; SEEMANOVA SYNDROME II. Identifiers: Orphanet 647, MedGen C0398791, MONDO:0009623, OMIM 251260.

Submissions (2):

Baylor Genetics
Classification: Likely pathogenic for Aplastic anemia. Last evaluated: 2023-10-29. Review status: criteria provided, single submitter. Criteria: ACMG Guidelines, 2015. Collection method: clinical testing. Allele origin: unknown.

Women's Health and Genetics/Laboratory Corporation of America, LabCorp
Classification: Likely pathogenic for Microcephaly, normal intelligence and immunodeficiency. Last evaluated: 2017-03-13. Review status: criteria provided, single submitter. Criteria: LabCorp Variant Classification Summary - May 2015. Collection method: clinical testing. Allele origin: germline.
Comment: Variant summary: The NBN c.1524_1527delATCT (p.Ser509Argfs) variant results in a premature termination codon, predicted to cause a truncated or absent NBN protein due to nonsense mediated decay, which are commonly known mechanisms for disease. Truncations downstream of this position have been reported by HGMD in association with various types of cancer. One in silico tool predicts a damaging outcome for this variant. This variant is absent in 121172 control chromosomes. The variant of interest has not, to our knowledge, been reported in affected individuals via publications and/or reputable databases/clinical diagnostic laboratories; nor evaluated for functional impact by in vivo/vitro studies. Taken together, this variant is classified as likely pathogenic.

NM_002485.5(NBN):c.1524_1527del (p.Ser509fs)

Gene: NBN (nibrin; minus strand). Cytogenetic location: 8q21.3.
Variant type: Microsatellite.
Coding change: c.1524_1527del on transcript NM_002485.5 (MANE Select); coding-DNA positions 1524 to 1527, 4 bases deleted (ATCT; older notation c.1524_1527delATCT).
Protein change: p.Ser509fs; shifts the reading frame from serine 509.
Molecular consequence: frameshift variant.
Genome position (GRCh38, 1-based): chr8:89,953,562-89,953,565, AGAT deleted on the plus strand (ATCT on the coding strand, the reverse complement: NBN is on the minus strand); deleting any 4 consecutive bases within chr8:89,953,562-89,953,569 gives the same sequence; the c. name uses the placement nearest the transcript's 3' end. VCF-style (leftmost placement, unchanged base first): chr8-89953561-CAGAT-C. GRCh37 (hg19) VCF-style: chr8-90965789-CAGAT-C.
Other names: c.1278_1281del, p.Ser427fs (NM_001024688.3); c.1524_1527delATCT (NM_002485.4); short protein forms S427fs, S509fs.
Identifiers: ClinVar variation 496162 (VCV000496162.2), dbSNP rs1554558449, ClinGen allele CA658683527.
Genomic context (GRCh38, chr8:89,953,561, plus strand): 5'-ATTTTAAATCTGTATCTGTAAATAAGTTATTGTCTGAGTTTGTGTCCACAGGCTCATTCT[CAGAT>C]AGATGCTGCTCCTTATTTTTCCACAATGAGGGTGTAGCAGGTTGTGTTTGTTCTAAAAGA-3'